The following is an entry in ClinVar:

NM_033028.5(BBS4):c.927T>C (p.Asn309=)

Gene: BBS4 (Bardet-Biedl syndrome 4; plus strand). Cytogenetic location: 15q24.1.
Variant type: single nucleotide variant.
Coding change: c.927T>C on transcript NM_033028.5 (MANE Select); coding-DNA position 927, T replaced by C.
Protein change: p.Asn309=; no amino-acid change (asparagine 309 retained).
Molecular consequence: synonymous variant. On other transcripts: non-coding transcript variant (2).
Genome position (GRCh38, 1-based): chr15:72,731,617, T>C. VCF-style: chr15-72731617-T-C. GRCh37 (hg19) VCF-style: chr15-73023958-T-C.
Other names: c.411T>C, p.Asn137= (NM_001252678.2); c.858T>C, p.Asn286= (NM_001320665.2); c.927T>C (NM_033028.4).
Identifiers: ClinVar variation 2981411 (VCV002981411.4), dbSNP rs1190895619, ClinGen allele CA491476849.
Genomic context (GRCh38, chr15:72,731,617, plus strand): 5'-CATCAGCTGCCTGAAACGAGCCAACTACTTGGCACCCTTTGATTGGAAGATTCTGTATAA[T>C]TTGGGCCTTGTCCATTTGACCATGCAGCAGTATGCATCAGCTTTTCATTTTCTCAGTGCG-3'
Protein context (NP_149017.2, residues 299-319): LAPFDWKILY[Asn309=]LGLVHLTMQQ

ClinVar aggregate classification (germline): Likely benign. Review status: criteria provided, multiple submitters, no conflicts (2 of 4 stars). 2 submissions from 2 submitters: Likely benign (2). Last evaluated 2026-04-27.

Conditions:
Bardet-Biedl syndrome (BBS). Identifiers: Orphanet 110, MedGen C0752166, MONDO:0015229.
BBS4-related disorder. Also called: BBS4-related condition.

Allele frequency attached by ClinVar (database versions not stated): gnomAD exomes below 0.00001.
gnomAD v4.1: 1 of 1,614,214 alleles (0.000062%); highest among the groups gnomAD compares: Non-Finnish European, 0.000085%; no homozygotes.

Submissions (2):

PreventionGenetics, part of Exact Sciences
Classification: Likely benign for BBS4-related condition. Last evaluated: 2026-04-27. Review status: criteria provided, single submitter. Criteria: ACMG Guidelines, 2015. Collection method: clinical testing. Allele origin: germline.
Comment: This variant is classified as likely benign based on ACMG/AMP sequence variant interpretation guidelines (Richards et al. 2015 PMID: 25741868, with internal and published modifications).

Labcorp Genetics (formerly Invitae), Labcorp
Classification: Likely benign for Bardet-Biedl syndrome. Last evaluated: 2023-07-17. Review status: criteria provided, single submitter. Criteria: Invitae Variant Classification Sherloc (09022015). Collection method: clinical testing. Allele origin: germline.